The following is an entry in ClinVar:

NM_017882.3(CLN6):c.723G>C (p.Met241Ile)

Gene: CLN6 (CLN6 transmembrane ER protein; minus strand). Cytogenetic location: 15q23.
Variant type: single nucleotide variant.
Coding change: c.723G>C on transcript NM_017882.3 (MANE Select); coding-DNA position 723, G replaced by C.
Protein change: p.Met241Ile; replaces methionine 241 with isoleucine.
Molecular consequence: missense variant.
Genome position (GRCh38, 1-based): chr15:68,208,353, C>G on the plus strand (G>C on the coding strand, the complement: CLN6 is on the minus strand). VCF-style: chr15-68208353-C-G. GRCh37 (hg19) VCF-style: chr15-68500691-C-G.
Other names: c.723G>C (NM_017882.2); c.819G>C, p.Met273Ile (NM_001411068.1); short protein forms M241I, M273I.
Identifiers: ClinVar variation 2415022 (VCV002415022.31), dbSNP rs149262877, ClinGen allele CA272382849.
Genomic context (GRCh38, chr15:68,208,353, plus strand): 5'-GAAGAGGCCGTTGCTGTCCAGGAAGAGGCGCTTGCGCTTCTGGTGCAGGACGAGGGCCAG[C>G]ATGGCGAAGAAGGTGAAGATGAAGAGGATGAAGATCTGGCCCTCGGTGACCAGGTACCTG-3'
Protein context (NP_060352.1, residues 231-251): FILFIFTFFA[Met241Ile]LALVLHQKRK

ClinVar aggregate classification (germline): Conflicting classifications of pathogenicity. Review status: criteria provided, conflicting classifications (1 of 4 stars). 4 submissions from 4 submitters: Pathogenic (1); Likely pathogenic (1); Uncertain significance (2). Last evaluated 2025-12-29.

Conditions:
Neuronal ceroid lipofuscinosis. Also called: Neuronal Ceroid Lipofuscinoses. Identifiers: Orphanet 216, Orphanet 79263, MedGen C0027877, MONDO:0016295. Disease mechanism: loss of function.
Inborn genetic diseases. Identifiers: MedGen C0950123, MeSH D030342.
Ceroid lipofuscinosis, neuronal, 6A. Also called: CLN6-Related Neuronal Ceroid-Lipofuscinosis; Neuronal ceroid lipofuscinosis, late infantile, variant; Neuronal ceroid lipofuscinosis, Gypsy/Indian early juvenile variant; Neuronal ceroid lipofuscinosis 6. Identifiers: Orphanet 168491, Orphanet 228363, MedGen C5551375, MONDO:0011144, OMIM 601780.

gnomAD v4.1: 13 of 1,613,848 alleles (0.00081%); highest among the groups gnomAD compares: Non-Finnish European, 0.00085%; no homozygotes.

Submissions (4):

Labcorp Genetics (formerly Invitae), Labcorp
Classification: Pathogenic for Neuronal ceroid lipofuscinosis. Last evaluated: 2025-12-29. Review status: criteria provided, single submitter. Criteria: Invitae Variant Classification Sherloc (09022015). Collection method: clinical testing. Allele origin: germline.
Comment: This sequence change replaces methionine, which is neutral and non-polar, with isoleucine, which is neutral and non-polar, at codon 241 of the CLN6 protein (p.Met241Ile). This variant is present in population databases (no rsID available, gnomAD 0.0009%). This missense change has been observed in individual(s) with autosomal recessive late-infantile neuronal ceroid lipofuscinosis (PMID: 30528883). It has also been observed to segregate with disease in related individuals. ClinVar contains an entry for this variant (Variation ID: 2415022). Invitae Evidence Modeling of protein sequence and biophysical properties (such as structural, functional, and spatial information, amino acid conservation, physicochemical variation, residue mobility, and thermodynamic stability) has been performed for this missense variant. However, the output from this modeling did not meet the statistical confidence thresholds required to predict the impact of this variant on CLN6 protein function. Studies have shown that this missense change alters CLN6 gene expression (PMID: 30528883). This variant disrupts the p.Met241 amino acid residue in CLN6. Other variant(s) that disrupt this residue have been determined to be pathogenic (PMID: 12815591, 18811591, 20430023; internal data). This suggests that this residue is clinically significant, and that variants that disrupt this residue are likely to be disease-causing. For these reasons, this variant has been classified as Pathogenic.

Natera, Inc.
Classification: Likely pathogenic for Ceroid lipofuscinosis, neuronal, 6A. Last evaluated: 2025-12-12. Review status: criteria provided, single submitter. Criteria: Natera Variant Classification Schema (03/2026). Collection method: clinical testing. Allele origin: germline.
Comment: The c.723G>C variant in CLN6 is a missense variant predicted to cause substitution of methionine to isoleucine at amino acid 241. This variant is rare in the general population with a frequency below the threshold expected for the associated phenotype(s). Another variant at this same site results in an alteration predicted to cause a similar molecular effect has been observed in individual(s) with the associated phenotype. Computational prediction algorithms indicate this variant is likely to affect gene or protein function. Given the available evidence, this variant is classified as Likely Pathogenic.

CeGaT Center for Human Genetics Tuebingen
Classification: Uncertain significance. Last evaluated: 2024-03-01. Review status: criteria provided, single submitter. Criteria: CeGaT Center For Human Genetics Tuebingen Variant Classification Criteria Version 2. Collection method: clinical testing. Allele origin: germline. Affected: yes. Observed: 1 variant allele.
Comment: CLN6: PM2, PM5

Ambry Genetics
Classification: Uncertain significance for Inborn genetic diseases. Last evaluated: 2023-01-06. Review status: criteria provided, single submitter. Criteria: Ambry Variant Classification Scheme 2023. Collection method: clinical testing. Allele origin: germline.

Literature cited by the submitters: PubMed 30528883 (cited by Labcorp Genetics (formerly Invitae), Labcorp and Ambry Genetics); PubMed 12815591 (cited by Labcorp Genetics (formerly Invitae), Labcorp); PubMed 18811591 (cited by Labcorp Genetics (formerly Invitae), Labcorp); PubMed 20430023 (cited by Labcorp Genetics (formerly Invitae), Labcorp).